The following is an entry in ClinVar:

ClinVar aggregate classification (germline): Uncertain significance. Review status: criteria provided, multiple submitters, no conflicts (2 of 4 stars). 3 submissions from 3 submitters: Uncertain significance (3). Last evaluated 2022-03-25.

Conditions:
Autosomal recessive limb-girdle muscular dystrophy type 2K. Also called: MUSCULAR DYSTROPHY-DYSTROGLYCANOPATHY (LIMB-GIRDLE), TYPE C, 1; MUSCULAR DYSTROPHY, LIMB-GIRDLE, TYPE 2K. Identifiers: Orphanet 86812, MedGen C1836373, MONDO:0012248, OMIM 609308.
Muscular dystrophy-dystroglycanopathy (congenital with impaired intellectual development), type B, 1. Also called: Muscular dystrophy-dystroglycanopathy (congenital with intellectual disability), type B1; MUSCULAR DYSTROPHY, CONGENITAL, POMT1-RELATED. Identifiers: MedGen C5436962, MONDO:0013159, OMIM 613155.
Walker-Warburg congenital muscular dystrophy. Also called: Muscular dystrophy-dystroglycanopathy, type A; Walker-Warburg syndrome. Identifiers: Orphanet 899, MedGen C0265221, MONDO:0000171.

Allele frequency attached by ClinVar (database versions not stated): gnomAD below 0.00001 and 0.00001; TOPMed below 0.00001; gnomAD exomes 0.00002; ExAC 0.00005.
gnomAD v4.1: 13 of 1,611,890 alleles (0.00081%); highest among the groups gnomAD compares: South Asian, 0.0088%; no homozygotes.

Submissions (3):

Labcorp Genetics (formerly Invitae), Labcorp
Classification: Uncertain significance for Muscular dystrophy-dystroglycanopathy (congenital with impaired intellectual development), type B, 1; Walker-Warburg congenital muscular dystrophy; Autosomal recessive limb-girdle muscular dystrophy type 2K. Last evaluated: 2022-03-25. Review status: criteria provided, single submitter. Criteria: Invitae Variant Classification Sherloc (09022015). Collection method: clinical testing. Allele origin: germline.
Comment: This sequence change replaces arginine, which is basic and polar, with cysteine, which is neutral and slightly polar, at codon 410 of the POMT1 protein (p.Arg410Cys). This variant is present in population databases (rs748087053, gnomAD 0.01%). This variant has not been reported in the literature in individuals affected with POMT1-related conditions. ClinVar contains an entry for this variant (Variation ID: 500908). Algorithms developed to predict the effect of missense changes on protein structure and function are either unavailable or do not agree on the potential impact of this missense change (SIFT: "Deleterious"; PolyPhen-2: "Probably Damaging"; Align-GVGD: "Class C15"). In summary, the available evidence is currently insufficient to determine the role of this variant in disease. Therefore, it has been classified as a Variant of Uncertain Significance.

Revvity Omics, Revvity
Classification: Uncertain significance. Last evaluated: 2019-10-09. Review status: criteria provided, single submitter. Criteria: ACMG Guidelines, 2015. Collection method: clinical testing. Allele origin: germline.

Eurofins Ntd Llc (ga)
Classification: Uncertain significance. Last evaluated: 2017-03-23. Review status: criteria provided, single submitter. Criteria: EGL Classification Definitions 2015. Collection method: clinical testing. Allele origin: germline. Observed: 1 variant allele, 1 heterozygote.

NM_001077365.2(POMT1):c.1162C>T (p.Arg388Cys)

Gene: POMT1 (protein O-mannosyltransferase 1; plus strand). Cytogenetic location: 9q34.13.
Variant type: single nucleotide variant.
Coding change: c.1162C>T on transcript NM_001077365.2 (MANE Select); coding-DNA position 1162, C replaced by T.
Protein change: p.Arg388Cys; replaces arginine 388 with cysteine.
Molecular consequence: missense variant. On other transcripts: non-coding transcript variant (10), intron variant (1).
Genome position (GRCh38, 1-based): chr9:131,513,318, C>T. VCF-style: chr9-131513318-C-T. GRCh37 (hg19) VCF-style: chr9-134388705-C-T.
Other names: c.1000C>T, p.Arg334Cys (NM_001077366.2, NM_001353194.2); c.1162C>T, p.Arg388Cys (NM_001136113.2, NM_001374690.1); c.811C>T, p.Arg271Cys (NM_001136114.2, NM_001353195.2, NM_001374691.1 and 1 more transcripts); c.1228C>T, p.Arg410Cys (NM_001353193.2, NM_007171.4); c.1072C>T, p.Arg358Cys (NM_001353196.2); c.1066C>T, p.Arg356Cys (NM_001353197.2, NM_001353198.2); c.877C>T, p.Arg293Cys (NM_001353199.2); c.706C>T, p.Arg236Cys (NM_001353200.2); and 3 more; short protein forms R410C, R334C, R293C, R358C, R236C, R271C, R356C, R388C.
Identifiers: ClinVar variation 500908 (VCV000500908.13), dbSNP rs748087053, ClinGen allele CA5293554.